The following is an entry in ClinVar:

ClinVar aggregate classification (germline): Uncertain significance (1 of 4 stars; one submission).

Conditions:
HECTD4-related disorder. Also called: HECTD4-related condition.

Submission:

PreventionGenetics, part of Exact Sciences
Classification: Uncertain significance for HECTD4-related condition. Last evaluated: 2024-12-17. Review status: criteria provided, single submitter. Criteria: ACMG Guidelines, 2015. Collection method: clinical testing. Allele origin: germline.
Comment: The HECTD4 c.452A>G variant is predicted to result in the amino acid substitution p.Asp151Gly. To our knowledge, this variant has not been reported in the literature or in a large population database (gnomAD), indicating this variant is rare. At this time, the clinical significance of this variant is uncertain due to the absence of conclusive functional and genetic evidence.

NM_001388303.1(HECTD4):c.884A>G (p.Asp295Gly)

Gene: HECTD4 (HECT domain E3 ubiquitin protein ligase 4; minus strand). Cytogenetic location: 12q24.13.
Variant type: single nucleotide variant.
Coding change: c.884A>G on transcript NM_001388303.1 (MANE Select); coding-DNA position 884, A replaced by G.
Protein change: p.Asp295Gly; replaces aspartic acid 295 with glycine.
Molecular consequence: missense variant.
Genome position (GRCh38, 1-based): chr12:112,313,049, T>C on the plus strand (A>G on the coding strand, the complement: HECTD4 is on the minus strand). VCF-style: chr12-112313049-T-C. GRCh37 (hg19) VCF-style: chr12-112750853-T-C.
Other names: c.884A>G, p.Asp295Gly (NM_001109662.4); short protein forms D295G.
Identifiers: ClinVar variation 2629929 (VCV002629929.2), dbSNP rs2500034060, ClinGen allele CA386918373.
Genomic context (GRCh38, chr12:112,313,049, plus strand): 5'-AATCACAGGACAAAAACTTTTACATTACCTTTATTTTCAGAACTGGAGCCAGTGTTGCTA[T>C]CCGGCGCAGGCAACATGTCTTCATAACCCCATGATACTATGTGTTTGCCCCCAAGCAAAC-3'
Protein context (NP_001375232.1, residues 285-305): WGYEDMLPAP[Asp295Gly]SNTGSSSENK